The following is an entry in ClinVar:

ClinVar aggregate classification (germline): Uncertain significance (1 of 4 stars; one submission).

Conditions:
Inborn genetic diseases. Identifiers: MedGen C0950123, MeSH D030342.

Submission:

Ambry Genetics
Classification: Uncertain significance for Inborn genetic diseases. Last evaluated: 2026-09-04. Review status: criteria provided, single submitter. Criteria: Ambry Variant Classification Scheme 2023. Collection method: clinical testing. Allele origin: germline.
Comment: The p.N799I variant (also known as c.2396A>T), located in coding exon 14 of the FANCM gene, results from an A to T substitution at nucleotide position 2396. The asparagine at codon 799 is replaced by isoleucine, an amino acid with dissimilar properties. This amino acid position is conserved. In addition, this alteration is predicted to be tolerated by in silico analysis. Based on the available evidence, the clinical significance of this variant remains unclear.

NM_020937.4(FANCM):c.2396A>T (p.Asn799Ile)

Gene: FANCM (FA complementation group M; plus strand). Cytogenetic location: 14q21.2.
Variant type: single nucleotide variant.
Coding change: c.2396A>T on transcript NM_020937.4 (MANE Select); coding-DNA position 2396, A replaced by T.
Protein change: p.Asn799Ile; replaces asparagine 799 with isoleucine.
Molecular consequence: missense variant.
Genome position (GRCh38, 1-based): chr14:45,175,150, A>T. VCF-style: chr14-45175150-A-T. GRCh37 (hg19) VCF-style: chr14-45644353-A-T.
Other names: c.2318A>T, p.Asn773Ile (NM_001308133.2); short protein forms N773I, N799I.
Identifiers: ClinVar variation 5021537 (VCV005021537.1).